The following is an entry in ClinVar:

ClinVar aggregate classification (germline): Benign/Likely benign. Review status: criteria provided, multiple submitters, no conflicts (2 of 4 stars). 3 submissions from 3 submitters: Benign (1); Likely benign (1). 1 of the submissions does not count toward it. Last evaluated 2020-05-11.

Conditions:
TRIO-related disorder. Also called: TRIO-related disorders; TRIO-related condition.

Allele frequency attached by ClinVar (database versions not stated): gnomAD exomes 0.00011 and 0.00005; ExAC 0.00012; 1000 Genomes Project 30x 0.00016; 1000 Genomes Project 0.00020; gnomAD 0.00004 and 0.00005; TOPMed 0.00005.
gnomAD v4.1: 40 of 1,614,188 alleles (0.0025%); highest among the groups gnomAD compares: Admixed American, 0.048%; no homozygotes.

Submissions (3):

GeneDx
Classification: Likely benign. Last evaluated: 2020-05-11. Review status: criteria provided, single submitter. Criteria: GeneDx Variant Classification Process June 2021. Collection method: clinical testing. Allele origin: germline. Affected: yes.

Labcorp Genetics (formerly Invitae), Labcorp
Classification: Benign. Last evaluated: 2018-04-25. Review status: criteria provided, single submitter. Criteria: Invitae Variant Classification Sherloc (09022015). Collection method: clinical testing. Allele origin: germline.

PreventionGenetics, part of Exact Sciences
Classification: Likely benign for TRIO-related condition. Last evaluated: 2021-03-15. Review status: no assertion criteria provided. Collection method: clinical testing. Allele origin: germline. Not counted in ClinVar's aggregate classification.
Comment: This variant is classified as likely benign based on ACMG/AMP sequence variant interpretation guidelines (Richards et al. 2015 PMID: 25741868, with internal and published modifications).

NM_007118.4(TRIO):c.8919G>A (p.Ser2973=)

Gene: TRIO (trio Rho guanine nucleotide exchange factor; plus strand). Cytogenetic location: 5p15.2.
Variant type: single nucleotide variant.
Coding change: c.8919G>A on transcript NM_007118.4 (MANE Select); coding-DNA position 8919, G replaced by A.
Protein change: p.Ser2973=; no amino-acid change (serine 2973 retained).
Molecular consequence: synonymous variant. On other transcripts: non-coding transcript variant (1).
Genome position (GRCh38, 1-based): chr5:14,508,047, G>A. VCF-style: chr5-14508047-G-A. GRCh37 (hg19) VCF-style: chr5-14508156-G-A.
Identifiers: ClinVar variation 747209 (VCV000747209.7), dbSNP rs564650565, ClinGen allele CA3208009.